The following is an entry in ClinVar:

NC_000016.9:g.(?_89857791)_(89883024_?)del

Gene: FANCA (FA complementation group A; minus strand). Cytogenetic location: 16q24.3.
Variant type: Deletion.
Identifiers: ClinVar variation 3243233 (VCV003243233.1).

ClinVar aggregate classification (germline): Pathogenic (1 of 4 stars; one submission).

Conditions:
Fanconi anemia (FA). Also called: Fanconi's anemia. Identifiers: Orphanet 84, MedGen C0015625, MeSH D005199, MONDO:0019391.

Submission:

Labcorp Genetics (formerly Invitae), Labcorp
Classification: Pathogenic for Fanconi anemia. Last evaluated: 2023-12-12. Review status: criteria provided, single submitter. Criteria: Invitae Variant Classification Sherloc (09022015). Collection method: clinical testing. Allele origin: unknown.
Comment: This variant is a gross deletion of the genomic region encompassing exon(s) 1-14 of the FANCA gene, which includes the initiator codon. This deletion extends beyond the assayed region for this gene and therefore may encompass additional genes. It is expected to result in an absent or disrupted protein product. Loss-of-function variants in FANCA are known to be pathogenic (PMID: 19367192). A similar copy number variant has been observed in individual(s) with Fanconi anemia (PMID: 29098742). For these reasons, this variant has been classified as Pathogenic.

Literature cited by the submitters: PubMed 19367192; PubMed 29098742.